The following is an entry in ClinVar:

NM_006859.4(LIAS):c.45+161C>T

Gene: LIAS (lipoic acid synthetase; plus strand). Cytogenetic location: 4p14.
Variant type: single nucleotide variant.
Coding change: c.45+161C>T on transcript NM_006859.4 (MANE Select); 161 bases into the intron after coding-DNA position 45, C replaced by T.
Molecular consequence: intron variant.
Genome position (GRCh38, 1-based): chr4:39,459,323, C>T. VCF-style: chr4-39459323-C-T. GRCh37 (hg19) VCF-style: chr4-39460943-C-T.
Other names: c.45+161C>T (NM_194451.3, NM_001278590.2, NM_001363700.2 and 2 more transcripts).
Identifiers: ClinVar variation 674516 (VCV000674516.2), dbSNP rs1458256, ClinGen allele CA11776515.

ClinVar aggregate classification (germline): Likely benign. Review status: criteria provided, multiple submitters, no conflicts (2 of 4 stars). 2 submissions from 2 submitters: Likely benign (2). Last evaluated 2018-06-16.

Allele frequency attached by ClinVar (database versions not stated): gnomAD 0.04018 and 0.04172; TOPMed 0.04391; 1000 Genomes Project 30x 0.05934; 1000 Genomes Project 0.05990.
gnomAD v4.1: 26,802 of 645,572 alleles (4.2%); highest among the groups gnomAD compares: South Asian, 7.9%; 690 homozygotes.

Submissions (2):

GeneDx
Classification: Likely benign. Last evaluated: 2018-06-16. Review status: criteria provided, single submitter. Criteria: GeneDx Variant Classification (06012015). Collection method: clinical testing. Allele origin: germline. Affected: yes.
Comment: This variant is considered likely benign or benign based on one or more of the following criteria: it is a conservative change, it occurs at a poorly conserved position in the protein, it is predicted to be benign by multiple in silico algorithms, and/or has population frequency not consistent with disease.

Breakthrough Genomics
Classification: Likely benign. Review status: criteria provided, single submitter. Criteria: ACMG Guidelines, 2015. Collection method: not provided. Allele origin: germline. Inheritance: Autosomal recessive inheritance. Affected: yes.